The following is an entry in ClinVar:

ClinVar aggregate classification (germline): Uncertain significance (1 of 4 stars; one submission).

Conditions:
Arrhythmogenic cardiomyopathy with wooly hair and keratoderma. Also called: Dilated cardiomyopathy with woolly hair and keratoderma; PALMOPLANTAR KERATODERMA WITH LEFT VENTRICULAR CARDIOMYOPATHY AND WOOLLY HAIR; Arrhythmogenic cardiomyopathy with woolly hair and keratoderma; Carvajal syndrome. Identifiers: Orphanet 65282, MedGen C1854063, MONDO:0011581, OMIM 605676.
Arrhythmogenic right ventricular dysplasia 8 (ARVD8). Also called: Arrhythmogenic Right Ventricular Dysplasia/Cardiomyopathy 8; ARRHYTHMOGENIC RIGHT VENTRICULAR DYSPLASIA, FAMILIAL, 8; ARRHYTHMOGENIC RIGHT VENTRICULAR CARDIOMYOPATHY 8. Identifiers: MedGen C1843896, MONDO:0011831, OMIM 607450.

Submission:

Labcorp Genetics (formerly Invitae), Labcorp
Classification: Uncertain significance for Arrhythmogenic cardiomyopathy with wooly hair and keratoderma; Arrhythmogenic right ventricular dysplasia 8. Last evaluated: 2018-08-05. Review status: criteria provided, single submitter. Criteria: Invitae Variant Classification Sherloc (09022015). Collection method: clinical testing. Allele origin: germline.
Comment: This sequence change replaces cysteine with phenylalanine at codon 2259 of the DSP protein (p.Cys2259Phe). The cysteine residue is highly conserved and there is a large physicochemical difference between cysteine and phenylalanine. This variant is not present in population databases (ExAC no frequency). This variant has not been reported in the literature in individuals with DSP-related disease. Algorithms developed to predict the effect of missense changes on protein structure and function (SIFT, PolyPhen-2, Align-GVGD) all suggest that this variant is likely to be disruptive, but these predictions have not been confirmed by published functional studies and their clinical significance is uncertain. In summary, the available evidence is currently insufficient to determine the role of this variant in disease. Therefore, it has been classified as a Variant of Uncertain Significance.

NM_004415.4(DSP):c.6776G>T (p.Cys2259Phe)

Gene: DSP (desmoplakin; plus strand). Cytogenetic location: 6p24.3.
Variant type: single nucleotide variant.
Coding change: c.6776G>T on transcript NM_004415.4 (MANE Select); coding-DNA position 6776, G replaced by T.
Protein change: p.Cys2259Phe; replaces cysteine 2259 with phenylalanine.
Molecular consequence: missense variant.
Genome position (GRCh38, 1-based): chr6:7,584,038, G>T. VCF-style: chr6-7584038-G-T. GRCh37 (hg19) VCF-style: chr6-7584271-G-T.
Other names: c.6776G>T (LRG_423t1); c.4979G>T, p.Cys1660Phe (NM_001008844.3); c.5447G>T, p.Cys1816Phe (NM_001319034.2); short protein forms C1660F, C1816F, C2259F.
Identifiers: ClinVar variation 658926 (VCV000658926.9), dbSNP rs754635738, ClinGen allele CA362691527.